The following is an entry in ClinVar:

ClinVar aggregate classification (germline): Pathogenic/Likely pathogenic. Review status: criteria provided, multiple submitters, no conflicts (2 of 4 stars). 2 submissions from 2 submitters: Pathogenic (1); Likely pathogenic (1). Last evaluated 2023-12-13.

Conditions:
Deficiency of hydroxymethylglutaryl-CoA lyase (HMGCLD). Also called: Defect in leucine metabolism; 3-hydroxy-3-methylglutaric aciduria; HMG-CoA LYASE DEFICIENCY; HMGCL DEFICIENCY; HYDROXYMETHYLGLUTARIC ACIDURIA. Identifiers: Orphanet 20, MedGen C1533587, MONDO:0009520, OMIM 246450.

Submissions (2):

Baylor Genetics
Classification: Pathogenic for Deficiency of hydroxymethylglutaryl-CoA lyase. Last evaluated: 2023-12-13. Review status: criteria provided, single submitter. Criteria: ACMG Guidelines, 2015. Collection method: clinical testing. Allele origin: unknown.

Labcorp Genetics (formerly Invitae), Labcorp
Classification: Likely pathogenic for Deficiency of hydroxymethylglutaryl-CoA lyase. Last evaluated: 2022-04-02. Review status: criteria provided, single submitter. Criteria: Invitae Variant Classification Sherloc (09022015). Collection method: clinical testing. Allele origin: germline.
Comment: This sequence change affects an acceptor splice site in intron 6 of the HMGCL gene. It is expected to disrupt RNA splicing. Variants that disrupt the donor or acceptor splice site typically lead to a loss of protein function (PMID: 16199547), and loss-of-function variants in HMGCL are known to be pathogenic (PMID: 9817922, 17692550, 23465862). This variant is not present in population databases (gnomAD no frequency). This variant has not been reported in the literature in individuals affected with HMGCL-related conditions. Algorithms developed to predict the effect of sequence changes on RNA splicing suggest that this variant may disrupt the consensus splice site. In summary, the currently available evidence indicates that the variant is pathogenic, but additional data are needed to prove that conclusively. Therefore, this variant has been classified as Likely Pathogenic.

Literature cited by the submitters: PubMed 16199547 (cited by Labcorp Genetics (formerly Invitae), Labcorp); PubMed 9817922 (cited by Labcorp Genetics (formerly Invitae), Labcorp); PubMed 17692550 (cited by Labcorp Genetics (formerly Invitae), Labcorp); PubMed 23465862 (cited by Labcorp Genetics (formerly Invitae), Labcorp).

NM_000191.3(HMGCL):c.562-1G>A

Gene: HMGCL (3-hydroxy-3-methylglutaryl-CoA lyase; minus strand). Cytogenetic location: 1p36.11.
Variant type: single nucleotide variant.
Coding change: c.562-1G>A on transcript NM_000191.3 (MANE Select); the canonical splice acceptor site of the intron before coding-DNA position 562, G replaced by A.
Molecular consequence: splice acceptor variant.
Genome position (GRCh38, 1-based): chr1:23,808,324, C>T on the plus strand (G>A on the coding strand, the complement: HMGCL is on the minus strand). VCF-style: chr1-23808324-C-T. GRCh37 (hg19) VCF-style: chr1-24134814-C-T.
Other names: c.349-1G>A (NM_001166059.2).
Identifiers: ClinVar variation 2120853 (VCV002120853.5), dbSNP rs2521405619, ClinGen allele CA339024592.